The following is an entry in ClinVar:

NM_002474.3(MYH11):c.3235G>A (p.Ala1079Thr)

Gene: MYH11 (myosin heavy chain 11; minus strand). Cytogenetic location: 16p13.11.
Variant type: single nucleotide variant.
Coding change: c.3235G>A on transcript NM_002474.3 (MANE Select); coding-DNA position 3235, G replaced by A.
Protein change: p.Ala1079Thr; replaces alanine 1079 with threonine.
Molecular consequence: missense variant.
Genome position (GRCh38, 1-based): chr16:15,737,507, C>T on the plus strand (G>A on the coding strand, the complement: MYH11 is on the minus strand). VCF-style: chr16-15737507-C-T. GRCh37 (hg19) VCF-style: chr16-15831364-C-T.
Other names: c.3256G>A, p.Ala1086Thr (NM_001040113.2, NM_001040114.2); c.3235G>A, p.Ala1079Thr (NM_022844.3); short protein forms A1079T, A1086T.
Identifiers: ClinVar variation 519954 (VCV000519954.15), dbSNP rs140479999, ClinGen allele CA7922055.

ClinVar aggregate classification (germline): Conflicting classifications of pathogenicity. Review status: criteria provided, conflicting classifications (1 of 4 stars). 5 submissions from 5 submitters: Uncertain significance (4); Likely benign (1). Last evaluated 2024-07-20.

Conditions:
Familial thoracic aortic aneurysm and aortic dissection (TAAD). Also called: Thoracic aortic aneurysms and dissections. Identifiers: Orphanet 91387, MedGen C4707243, MONDO:0019625.
Aortic aneurysm, familial thoracic 4 (AAT4). Also called: AORTIC ANEURYSM/AORTIC DISSECTION AND PATENT DUCTUS ARTERIOSUS. Identifiers: MedGen C1851504, MONDO:0007568, OMIM 132900.

Allele frequency attached by ClinVar (database versions not stated): gnomAD exomes 0.00004; ExAC 0.00006; gnomAD 0.00006 and 0.00007; TOPMed 0.00014; ESP Exome Variant Server 0.00031; 1000 Genomes Project 30x 0.00047; 1000 Genomes Project 0.00060.
gnomAD v4.1: 97 of 1,613,908 alleles (0.006%); highest among the groups gnomAD compares: African/African-American, 0.02%; no homozygotes.

Submissions (5):

All of Us Research Program, National Institutes of Health
Classification: Uncertain significance for Familial thoracic aortic aneurysm and aortic dissection. Last evaluated: 2024-07-20. Review status: criteria provided, single submitter. Criteria: ACMG Guidelines, 2015. Collection method: clinical testing. Allele origin: germline. Inheritance: Autosomal dominant inheritance. Observed: 10 variant alleles, 10 heterozygotes.
Comment: This missense variant replaces alanine with threonine at codon 1086 of the MYH11 protein. Computational prediction suggests that this variant may not impact protein structure and function (internally defined REVEL score threshold <= 0.5, PMID: 27666373). To our knowledge, functional studies have not been reported for this variant. This variant has not been reported in individuals affected with cardiovascular disorders in the literature. This variant has been identified in 13/282638 chromosomes in the general population by the Genome Aggregation Database (gnomAD). The available evidence is insufficient to determine the role of this variant in disease conclusively. Therefore, this variant is classified as a Variant of Uncertain Significance.

This study involves interpretation of variants in research participants for the purpose of population health screening. Participant phenotype was not available at the time of variant classification. Additional details can be found in publication PMID: 35346344, PMCID: PMC8962531

Color Diagnostics, LLC DBA Color Health
Classification: Uncertain significance for Familial thoracic aortic aneurysm and aortic dissection. Last evaluated: 2024-03-06. Review status: criteria provided, single submitter. Criteria: ACMG Guidelines, 2015. Collection method: clinical testing. Allele origin: germline.
Comment: This missense variant replaces alanine with threonine at codon 1086 of the MYH11 protein. Computational prediction suggests that this variant may not impact protein structure and function (internally defined REVEL score threshold <= 0.5, PMID: 27666373). To our knowledge, functional studies have not been reported for this variant. This variant has not been reported in individuals affected with MYH11-related disorders in the literature. This variant has been identified in 13/282638 chromosomes in the general population by the Genome Aggregation Database (gnomAD). The available evidence is insufficient to determine the role of this variant in disease conclusively. Therefore, this variant is classified as a Variant of Uncertain Significance.

GeneDx
Classification: Uncertain significance. Last evaluated: 2023-06-28. Review status: criteria provided, single submitter. Criteria: GeneDx Variant Classification Process June 2021. Collection method: clinical testing. Allele origin: germline. Affected: yes.
Comment: Has not been previously published as pathogenic or benign to our knowledge; In silico analysis supports that this missense variant does not alter protein structure/function

MGZ Medical Genetics Center
Classification: Uncertain significance for Aortic aneurysm, familial thoracic 4. Last evaluated: 2022-07-15. Review status: criteria provided, single submitter. Criteria: ACMG Guidelines, 2015. Collection method: clinical testing. Allele origin: germline. Affected: yes. Observed: 1 variant allele.
Comment: ACMG criteria applied: PM2_SUP

Ambry Genetics
Classification: Likely benign for Familial thoracic aortic aneurysm and aortic dissection. Last evaluated: 2017-06-15. Review status: criteria provided, single submitter. Criteria: Ambry Variant Classification Scheme 2023. Collection method: clinical testing. Allele origin: germline.